The following is an entry in ClinVar:

ClinVar aggregate classification (germline): Uncertain significance (1 of 4 stars; one submission).

gnomAD v4.1: 1 of 1,609,846 alleles (0.000062%); highest among the groups gnomAD compares: Non-Finnish European, 0.000085%; no homozygotes.

Submission:

GeneDx
Classification: Uncertain significance. Last evaluated: 2025-07-26. Review status: criteria provided, single submitter. Criteria: GeneDx Variant Classification Process June 2021. Collection method: clinical testing. Allele origin: germline. Affected: yes.
Comment: Not observed at significant frequency in large population cohorts (gnomAD); In silico analysis supports that this missense variant has a deleterious effect on protein structure/function; Has not been previously published as pathogenic or benign to our knowledge

NM_001385012.1(NBEA):c.608G>C (p.Arg203Pro)

Gene: NBEA (neurobeachin; plus strand). Cytogenetic location: 13q13.3.
Variant type: single nucleotide variant.
Coding change: c.608G>C on transcript NM_001385012.1 (MANE Select); coding-DNA position 608, G replaced by C.
Protein change: p.Arg203Pro; replaces arginine 203 with proline.
Molecular consequence: missense variant.
Genome position (GRCh38, 1-based): chr13:35,045,028, G>C. VCF-style: chr13-35045028-G-C. GRCh37 (hg19) VCF-style: chr13-35619165-G-C.
Other names: c.608G>C, p.Arg203Pro (NM_001379245.1, NM_015678.5); short protein forms R203P.
Identifiers: ClinVar variation 4687045 (VCV004687045.1).
Genomic context (GRCh38, chr13:35,045,028, plus strand): 5'-GGGTTCTTGCCAGCTACAGCATCACTGTCAAGGAGTTGAAGCTTTTGTTCAGCATGCTTC[G>C]AGGAGAAAGTGGAATCTGGGTAAGCTGTGGTCGGAGGGAAAGGTATTCAGTATCAGTCCA-3'
Protein context (NP_001371941.1, residues 193-213): KELKLLFSML[Arg203Pro]GESGIWPRHA